The following is an entry in ClinVar:

NM_001101362.3(KBTBD13):c.1107C>G (p.Ile369Met)

Gene: KBTBD13 (kelch repeat and BTB domain containing 13; plus strand). Cytogenetic location: 15q22.31.
Variant type: single nucleotide variant.
Coding change: c.1107C>G on transcript NM_001101362.3 (MANE Select); coding-DNA position 1107, C replaced by G.
Protein change: p.Ile369Met; replaces isoleucine 369 with methionine.
Molecular consequence: missense variant.
Genome position (GRCh38, 1-based): chr15:65,077,922, C>G. VCF-style: chr15-65077922-C-G. GRCh37 (hg19) VCF-style: chr15-65370260-C-G.
Other names: c.1107C>G (NM_001101362.2); short protein forms I369M.
Identifiers: ClinVar variation 1054329 (VCV001054329.43), dbSNP rs757616268, ClinGen allele CA7614077.
Genomic context (GRCh38, chr15:65,077,922, plus strand): 5'-CCGCGACAGCCTCTATGTGGTGCGCAACGGACCTTCCGACGACTTCCTGCACTGCGCCAT[C>G]GACTGTCTCAACCTGGCCACGGGCCAGTGGACGGCGCTGCCCGGCCAGTTCGTCAACAGC-3'
Protein context (NP_001094832.1, residues 359-379): GPSDDFLHCA[Ile369Met]DCLNLATGQW

ClinVar aggregate classification (germline): Uncertain significance. Review status: criteria provided, multiple submitters, no conflicts (2 of 4 stars). 3 submissions from 3 submitters: Uncertain significance (3). Last evaluated 2024-06-06.

Conditions:
Nemaline myopathy 6 (NEM6). Also called: Nemaline myopathy 6, autosomal dominant. Identifiers: Orphanet 171439, MedGen C1836472, MONDO:0012237, OMIM 609273.

Allele frequency attached by ClinVar (database versions not stated): ExAC 0.00001; gnomAD exomes 0.00001 and 0.00002; gnomAD 0.00006.

Submissions (3):

Revvity Omics, Revvity
Classification: Uncertain significance for Nemaline myopathy 6. Last evaluated: 2024-06-06. Review status: criteria provided, single submitter. Criteria: ACMG Guidelines, 2015. Collection method: clinical testing. Allele origin: germline.

Labcorp Genetics (formerly Invitae), Labcorp
Classification: Uncertain significance for Nemaline myopathy 6. Last evaluated: 2024-02-12. Review status: criteria provided, single submitter. Criteria: Invitae Variant Classification Sherloc (09022015). Collection method: clinical testing. Allele origin: germline.
Comment: This sequence change replaces isoleucine, which is neutral and non-polar, with methionine, which is neutral and non-polar, at codon 369 of the KBTBD13 protein (p.Ile369Met). This variant is present in population databases (rs757616268, gnomAD 0.003%). This missense change has been observed in individual(s) with neuromuscular disease (PMID: 27074222). ClinVar contains an entry for this variant (Variation ID: 1054329). An algorithm developed to predict the effect of missense changes on protein structure and function (PolyPhen-2) suggests that this variant is likely to be disruptive. In summary, the available evidence is currently insufficient to determine the role of this variant in disease. Therefore, it has been classified as a Variant of Uncertain Significance.

CeGaT Center for Human Genetics Tuebingen
Classification: Uncertain significance. Last evaluated: 2021-06-01. Review status: criteria provided, single submitter. Criteria: CeGaT Center For Human Genetics Tuebingen Variant Classification Criteria Version 2. Collection method: clinical testing. Allele origin: germline. Affected: yes. Observed: 1 variant allele.

Literature cited by the submitters: PubMed 27074222 (cited by Labcorp Genetics (formerly Invitae), Labcorp).